The following is an entry in ClinVar:

NM_001458.5(FLNC):c.1096del (p.Glu365_Val366insTer)

Gene: FLNC (filamin C; plus strand). Cytogenetic location: 7q32.1.
Variant type: Deletion.
Coding change: c.1096del on transcript NM_001458.5 (MANE Select); coding-DNA position 1096, one base deleted (G; older notation c.1096delG).
Protein change: p.Glu365_Val366insTer.
Molecular consequence: nonsense.
Genome position (GRCh38, 1-based): chr7:128,838,315, G deleted; the last of 2 consecutive G bases (chr7:128,838,314-128,838,315); deleting either gives the same sequence. VCF-style (leftmost placement, unchanged base first): chr7-128838313-AG-A. GRCh37 (hg19) VCF-style: chr7-128478367-AG-A.
Other names: c.1096del, p.Glu365_Val366insTer (NM_001127487.2).
Identifiers: ClinVar variation 4293227 (VCV004293227.1).

ClinVar aggregate classification (germline): Likely pathogenic (1 of 4 stars; one submission).

Conditions:
Hypertrophic cardiomyopathy 26. Also called: Cardiomyopathy, familial hypertrophic, 26. Identifiers: Orphanet 75249, MedGen C4310749, MONDO:0014883, OMIM 617047.

Submission:

3billion
Classification: Likely pathogenic for Hypertrophic cardiomyopathy 26. Last evaluated: 2024-11-27. Review status: criteria provided, single submitter. Criteria: ACMG Guidelines, 2015. Collection method: clinical testing. Allele origin: germline. Affected: yes.
Comment: The variant is not observed in the gnomAD v4.1.0 dataset. Predicted Consequence/Location: Stop-gained (nonsense): predicted to result in a loss or disruption of normal protein function through nonsense-mediated decay (NMD) or protein truncation. Multiple pathogenic variants are reported downstream of the variant. Therefore, this variant is classified as Likely pathogenic according to the recommendation of ACMG/AMP guideline.